The following is an entry in ClinVar:

NM_000361.3(THBD):c.431_439del (p.Glu144_Thr146del)

Gene: THBD (thrombomodulin; minus strand). Cytogenetic location: 20p11.21.
Variant type: Deletion.
Coding change: c.431_439del on transcript NM_000361.3 (MANE Select); coding-DNA positions 431 to 439, 9 bases deleted (AGGCCACTG; older notation c.431_439delAGGCCACTG).
Protein change: p.Glu144_Thr146del.
Molecular consequence: inframe deletion. On other transcripts: inframe indel (1).
Genome position (GRCh38, 1-based): chr20:23,049,066-23,049,074, CAGTGGCCT deleted on the plus strand (AGGCCACTG on the coding strand, the reverse complement: THBD is on the minus strand); deleting any 9 consecutive bases within chr20:23,049,066-23,049,077 gives the same sequence; the c. name uses the placement nearest the transcript's 3' end. VCF-style (leftmost placement, unchanged base first): chr20-23049065-ACAGTGGCCT-A. GRCh37 (hg19) VCF-style: chr20-23029702-ACAGTGGCCT-A.
Other names: c.428_436delCTGAGGCCA, p.Glu144_Thr146del (NM_000361.2); c.431_439del (NM_000361.2).
Identifiers: ClinVar variation 3626093 (VCV003626093.3).
Genomic context (GRCh38, chr20:23,049,065, plus strand): 5'-CAGAGGAAGCCATCGGCCTTCACTTCGCACTGCTGCTCCTCCCAGATCGGCTCGCTGGGC[ACAGTGGCCT>A]CAGCAGCGGAGACAGCGACGCACAACGGGCCGCAGAGGGGAGCCCCATTGAGGTCGAGCC-3'

ClinVar aggregate classification (germline): Uncertain significance. Review status: criteria provided, multiple submitters, no conflicts (2 of 4 stars). 2 submissions from 2 submitters: Uncertain significance (2). Last evaluated 2026-02-06.

Submissions (2):

GeneDx
Classification: Uncertain significance. Last evaluated: 2026-02-06. Review status: criteria provided, single submitter. Criteria: GeneDx Variant Classification Process June 2021. Collection method: clinical testing. Allele origin: germline.
Comment: Not observed at significant frequency in large population cohorts (gnomAD); In-frame deletion of 3 amino acids in a non-repeat region; In silico analysis suggests that this variant does not alter protein structure/function; Has not been previously published as pathogenic or benign to our knowledge

Labcorp Genetics (formerly Invitae), Labcorp
Classification: Uncertain significance. Last evaluated: 2024-11-07. Review status: criteria provided, single submitter. Criteria: Invitae Variant Classification Sherloc (09022015). Collection method: clinical testing. Allele origin: germline.
Comment: This variant, c.431_439del, results in the deletion of 3 amino acid(s) of the THBD protein (p.Glu144_Thr146del), but otherwise preserves the integrity of the reading frame. This variant is not present in population databases (gnomAD no frequency). This variant has not been reported in the literature in individuals affected with THBD-related conditions. Experimental studies and prediction algorithms are not available or were not evaluated, and the functional significance of this variant is currently unknown. In summary, the available evidence is currently insufficient to determine the role of this variant in disease. Therefore, it has been classified as a Variant of Uncertain Significance.